The following is an entry in ClinVar:

ClinVar aggregate classification (germline): Uncertain significance (1 of 4 stars; one submission).

Submission:

Labcorp Genetics (formerly Invitae), Labcorp
Classification: Uncertain significance. Last evaluated: 2022-10-17. Review status: criteria provided, single submitter. Criteria: Invitae Variant Classification Sherloc (09022015). Collection method: clinical testing. Allele origin: germline.
Comment: This sequence change replaces leucine, which is neutral and non-polar, with phenylalanine, which is neutral and non-polar, at codon 1463 of the COL4A5 protein (p.Leu1463Phe). This variant is not present in population databases (gnomAD no frequency). This variant has not been reported in the literature in individuals affected with COL4A5-related conditions. Advanced modeling of protein sequence and biophysical properties (such as structural, functional, and spatial information, amino acid conservation, physicochemical variation, residue mobility, and thermodynamic stability) performed at Invitae indicates that this missense variant is not expected to disrupt COL4A5 protein function. In summary, the available evidence is currently insufficient to determine the role of this variant in disease. Therefore, it has been classified as a Variant of Uncertain Significance.

NM_033380.3(COL4A5):c.4405C>T (p.Leu1469Phe)

Gene: COL4A5 (collagen type IV alpha 5 chain; plus strand). Cytogenetic location: Xq22.3.
Variant type: single nucleotide variant.
Coding change: c.4405C>T on transcript NM_033380.3 (MANE Select); coding-DNA position 4405, C replaced by T.
Protein change: p.Leu1469Phe; replaces leucine 1469 with phenylalanine.
Molecular consequence: missense variant.
Genome position (GRCh38, 1-based): chrX:108,687,571, C>T. VCF-style: chrX-108687571-C-T. GRCh37 (hg19) VCF-style: chrX-107930801-C-T.
Other names: c.4387C>T, p.Leu1463Phe (NM_000495.5); short protein forms L1463F, L1469F.
Identifiers: ClinVar variation 1721790 (VCV001721790.3), dbSNP rs1380562632, ClinGen allele CA413854222.